The following is an entry in ClinVar:

ClinVar aggregate classification (germline): Pathogenic/Likely pathogenic. Review status: criteria provided, multiple submitters, no conflicts (2 of 4 stars). 3 submissions from 3 submitters: Pathogenic (2); Likely pathogenic (1). Last evaluated 2025-05-05.

Conditions:
Deficiency of aromatic-L-amino-acid decarboxylase. Also called: Aromatic amino acid decarboxylase deficiency; Aromatic L-Amino Acid Decarboxylase Deficiency; DDC DEFICIENCY; DOPA DECARBOXYLASE DEFICIENCY; AADC DEFICIENCY. Identifiers: Orphanet 35708, MedGen C1291564, MONDO:0012084, OMIM 608643.

Allele frequency attached by ClinVar (database versions not stated): gnomAD exomes 0.00001; ExAC 0.00002.
gnomAD v4.1: 9 of 1,613,368 alleles (0.00056%); highest among the groups gnomAD compares: South Asian, 0.0011%; no homozygotes.

Submissions (3):

Labcorp Genetics (formerly Invitae), Labcorp
Classification: Pathogenic for Deficiency of aromatic-L-amino-acid decarboxylase. Last evaluated: 2025-05-05. Review status: criteria provided, single submitter. Criteria: Invitae Variant Classification Sherloc (09022015). Collection method: clinical testing. Allele origin: germline.
Comment: This sequence change replaces arginine, which is basic and polar, with histidine, which is basic and polar, at codon 358 of the DDC protein (p.Arg358His). This variant is present in population databases (rs771317809, gnomAD 0.003%). This missense change has been observed in individual(s) with DDC-related conditions (PMID: 17240182, 32369189). ClinVar contains an entry for this variant (Variation ID: 379626). Invitae Evidence Modeling of protein sequence and biophysical properties (such as structural, functional, and spatial information, amino acid conservation, physicochemical variation, residue mobility, and thermodynamic stability) indicates that this missense variant is expected to disrupt DDC protein function with a positive predictive value of 80%. Experimental studies have shown that this missense change affects DDC function (PMID: 29356298). This variant disrupts the p.Arg358 amino acid residue in DDC. Other variant(s) that disrupt this residue have been observed in individuals with DDC-related conditions (PMID: 37348148), which suggests that this may be a clinically significant amino acid residue. For these reasons, this variant has been classified as Pathogenic.

Victorian Clinical Genetics Services, Murdoch Childrens Research Institute
Classification: Likely pathogenic for Deficiency of aromatic-L-amino-acid decarboxylase. Last evaluated: 2016-10-17. Review status: criteria provided, single submitter. Criteria: ACMG Guidelines, 2015. Collection method: clinical testing. Allele origin: maternal. Inheritance: Autosomal recessive inheritance. Affected: yes. Observed: 2 variant alleles.
Comment: The NM_001082971.1(DDC):c.1073G>A in exon 12 of the DDC gene is predicted to create a change of an arginine to an histidine at amino acid position 358, NP_001076440.1(DDC):p.p.(Arg358His), which is considered not significant. The arginine at this position has very highly conservation but however, Grantham assessment (A-GVGD) is unlikely pathogenic. In silico software predicts this variant to be disease causing. It is situated in a Pyridoxal phosphate-dependent decarboxylase conserved domain. This variant has not been previously observed in our cohort but is present in a population database at a frequency of 0.002%. It has been previously reported in compound heterozygous state in a patient with aromatic -L-amino decarboxylase deficiency (AADC) and functional studies showed reduced enzyme activity (Verbeek MM. et al.,2007). Based on current information, and in association with the NM_001082971.1(DDC):c.1352G>T variant, this variant has been classified as LIKELY PATHOGENIC. The presence of these two variants suggests a possible compound heterozygous mode of inheritance which is consistent with AADC.

GeneDx
Classification: Pathogenic. Last evaluated: 2015-05-14. Review status: criteria provided, single submitter. Criteria: GeneDx Variant Classification (06012015). Collection method: clinical testing. Allele origin: germline. Affected: yes.
Comment: The R358H variant in the DDC gene has been reported previously in association with AADC deficiency,in an affected individual who was compound heterozygous for the R358H variant and another loss offunction variant. This individual's plasma AADC activity was significantly reduced as compared tonormal AADC activity (Verbeek et al., 2007). The R358H substitution was not observed in approximately6,500 individuals of European and African American ancestry in the NHLBI Exome Sequencing Project,indicating it is not a common benign variant in these populations. The R358H variant is a conservativechange at a position that is conserved across species. In silico analysis predicts this variant is probablydamaging to the protein structure/function. A missense variant in a nearby residue (R347Q) has beenreported in the Human Gene Mutation Database in association with AADC deficiency (Stenson et al.,2014), supporting the functional importance of this region of the protein. We interpret R358H as a pathogenic variant.

Literature cited by the submitters: PubMed 17240182 (cited by Labcorp Genetics (formerly Invitae), Labcorp); PubMed 32369189 (cited by Labcorp Genetics (formerly Invitae), Labcorp); PubMed 29356298 (cited by Labcorp Genetics (formerly Invitae), Labcorp); PubMed 37348148 (cited by Labcorp Genetics (formerly Invitae), Labcorp).

NM_001082971.2(DDC):c.1073G>A (p.Arg358His)

Gene: DDC (dopa decarboxylase; minus strand). Cytogenetic location: 7p12.2.
Variant type: single nucleotide variant.
Coding change: c.1073G>A on transcript NM_001082971.2 (MANE Select); coding-DNA position 1073, G replaced by A.
Protein change: p.Arg358His; replaces arginine 358 with histidine.
Molecular consequence: missense variant.
Genome position (GRCh38, 1-based): chr7:50,470,140, C>T on the plus strand (G>A on the coding strand, the complement: DDC is on the minus strand). VCF-style: chr7-50470140-C-T. GRCh37 (hg19) VCF-style: chr7-50537838-C-T.
Other names: c.1073G>A, p.Arg358His (NM_000790.4); c.959G>A, p.Arg320His (NM_001242886.2); c.929G>A, p.Arg310His (NM_001242887.2); c.839G>A, p.Arg280His (NM_001242888.2); c.794G>A, p.Arg265His (NM_001242889.2); short protein forms R358H, R310H, R280H, R320H, R265H.
Identifiers: ClinVar variation 379626 (VCV000379626.10), dbSNP rs771317809, ClinGen allele CA4262068.